The following is an entry in ClinVar:

ClinVar aggregate classification (germline): Benign (1 of 4 stars; one submission).

Allele frequency attached by ClinVar (database versions not stated): 1000 Genomes Project 0.69589; 1000 Genomes Project 30x 0.69706; TOPMed 0.78904; gnomAD 0.80930 and 0.80940.
gnomAD v4.1: 123,089 of 151,774 alleles (81%); highest among the groups gnomAD compares: Non-Finnish European, 98%; 53,362 homozygotes.

Submission:

GeneDx
Classification: Benign. Last evaluated: 2018-06-19. Review status: criteria provided, single submitter. Criteria: GeneDx Variant Classification (06012015). Collection method: clinical testing. Allele origin: germline. Affected: yes.
Comment: This variant is considered likely benign or benign based on one or more of the following criteria: it is a conservative change, it occurs at a poorly conserved position in the protein, it is predicted to be benign by multiple in silico algorithms, and/or has population frequency not consistent with disease.

NM_177924.5(ASAH1):c.216+183T>C

Gene: ASAH1 (N-acylsphingosine amidohydrolase 1; minus strand). Cytogenetic location: 8p22.
Variant type: single nucleotide variant.
Coding change: c.216+183T>C on transcript NM_177924.5 (MANE Select); 183 bases into the intron after coding-DNA position 216, T replaced by C.
Molecular consequence: intron variant.
Genome position (GRCh38, 1-based): chr8:18,071,117, A>G on the plus strand (T>C on the coding strand, the complement: ASAH1 is on the minus strand). VCF-style: chr8-18071117-A-G. GRCh37 (hg19) VCF-style: chr8-17928626-A-G.
Other names: c.264+183T>C (NM_004315.6); c.285+183T>C (NM_001127505.3); c.21+183T>C (NM_001363743.2).
Identifiers: ClinVar variation 678026 (VCV000678026.1), dbSNP rs7825513, ClinGen allele CA12716455.
Genomic context (GRCh38, chr8:18,071,117, plus strand): 5'-AATTAGCCGGCATGGTGGCAGGTGCCTGTAATTCCAGCTACTCGGGAAGCTGAGGCAGGG[A>G]AATTGCTAGAACCCAGGAGGCGGAGGTTGCGGCGAGCTGAGATCGTGCCACTGCATTCCA-3'